The following is an entry in ClinVar:

ClinVar aggregate classification (germline): Uncertain significance (1 of 4 stars; one submission).
ClinVar aggregate classification (somatic clinical impact): Tier I - Strong. Review status: criteria provided, single submitter (1 of 4 stars). 3 submissions from 1 submitter. 1 of the submissions does not count toward it. Last evaluated 2023-09-28.

Conditions:
Hereditary cancer-predisposing syndrome. Also called: Tumor predisposition; Hereditary neoplastic syndrome; Hereditary Cancer Syndrome; Neoplastic Syndromes, Hereditary. Identifiers: Orphanet 140162, MedGen C0027672, MeSH D009386, MONDO:0015356.
Embryonal rhabdomyosarcoma (ERMS). Also called: Botryoid rhabdomyosarcoma (type of ERMS); Spindle cell rhabdomyosarcomas (type of ERMS). Identifiers: Orphanet 99757, MedGen C0206656, MONDO:0009993, HP:0006743.
Medulloblastoma WNT activated. Identifiers: MedGen C4331965, MONDO:0850196.
Medulloblastoma non-WNT/non-SHH group 3. Identifiers: MedGen C4330665, MONDO:0956966.

Submissions (4):

Ambry Genetics
Classification: Uncertain significance for Hereditary cancer-predisposing syndrome. Last evaluated: 2025-05-16. Review status: criteria provided, single submitter. Criteria: Ambry Variant Classification Scheme 2023. Collection method: clinical testing. Allele origin: germline.
Comment: The p.G1232S variant (also known as c.3694G>A), located in coding exon 25 of the SMARCA4 gene, results from a G to A substitution at nucleotide position 3694. The glycine at codon 1232 is replaced by serine, an amino acid with similar properties. This amino acid position is highly conserved in available vertebrate species. In addition, this alteration is predicted to be deleterious by in silico analysis. Based on the available evidence, the clinical significance of this variant remains unclear.

Institute for Genomic Medicine (IGM) Clinical Laboratory, Nationwide Children's Hospital
Classification: Tier II - Potential for Embryonal rhabdomyosarcoma. Assertion type: diagnostic. Clinical significance: supports diagnosis. Last evaluated: 2025-02-27. Review status: criteria provided, single submitter. Criteria: AMP/ASCO/CAP Guidelines, 2017. Collection method: clinical testing. Allele origin: somatic. Affected: yes. Not counted in ClinVar's aggregate classification.
Comment: Variant has Tier II (potential) clinical significance as a diagnostic inclusion criterion in embryonal rhabdomyosarcoma, based on the following evidence: 1) Documented in one or more cancer databases (e.g., St. Jude Pecan, COSMIC, CIViC, OncoKB). 2) Information in the literature supports potential biologic effect of variant (PMID: 33144586). 3) Diagnostic significance based on multiple small studies (Evidence Level C; PMIDs: 35094009, 25768946).

Institute for Genomic Medicine (IGM) Clinical Laboratory, Nationwide Children's Hospital
Classification: Tier I - Strong for Medulloblastoma WNT activated. Assertion type: diagnostic. Clinical significance: supports diagnosis. Last evaluated: 2023-09-28. Review status: criteria provided, single submitter. Criteria: AMP/ASCO/CAP Guidelines, 2017. Collection method: clinical testing. Allele origin: somatic. Affected: yes.
Comment: Variant has Tier I (strong) clinical significance as a diagnostic inclusion criterion in medulloblastoma WNT activated, based on the following evidence: 1) Documented in one or more cancer databases (e.g., St. Jude Pecan, COSMIC, CIViC, OncoKB). 2) Appears in one or more well-established professional guidelines (e.g., World Health Organization [WHO]; National Comprehensive Cancer Network [NCCN]) as providing diagnostic, prognostic, or therapeutic information. 3) Information in the literature supports potential biologic effect of variant (PMID: 33144586). 4) Diagnostic for a specific tumor type/classification based on well-powered studies with expert-level consensus (Evidence Level B; PMIDs: 21163964, 28726821, 22820256, 22832583, 22722829).

Institute for Genomic Medicine (IGM) Clinical Laboratory, Nationwide Children's Hospital
Classification: Tier I - Strong for Medulloblastoma non-WNT/non-SHH group 3. Assertion type: diagnostic. Clinical significance: supports diagnosis. Last evaluated: 2023-07-29. Review status: criteria provided, single submitter. Criteria: AMP/ASCO/CAP Guidelines, 2017. Collection method: clinical testing. Allele origin: somatic. Affected: yes.
Comment: Variant has Tier I (strong) clinical significance as a diagnostic inclusion criterion in medulloblastoma non-WNT/non-SHH group 3, based on the following evidence: 1) Documented in one or more cancer databases (e.g., St. Jude Pecan, COSMIC, CIViC, OncoKB). 2) Appears in one or more well-established professional guidelines (e.g., World Health Organization [WHO]; National Comprehensive Cancer Network [NCCN]) as providing diagnostic, prognostic, or therapeutic information. 3) Information in the literature supports potential biologic effect of variant (PMID: 33144586). 4) Diagnostic for a specific tumor type/classification based on well-powered studies with expert-level consensus (Evidence Level B; PMIDs: 21163964, 28726821, 22820256, 22832583, 22722829, 23432644).

Literature cited by the submitters: PubMed 33144586 (cited by Institute for Genomic Medicine (IGM) Clinical Laboratory, Nationwide Children's Hospital); PubMed 35094009 (cited by Institute for Genomic Medicine (IGM) Clinical Laboratory, Nationwide Children's Hospital); PubMed 25768946 (cited by Institute for Genomic Medicine (IGM) Clinical Laboratory, Nationwide Children's Hospital); PubMed 21163964 (cited by Institute for Genomic Medicine (IGM) Clinical Laboratory, Nationwide Children's Hospital); PubMed 28726821 (cited by Institute for Genomic Medicine (IGM) Clinical Laboratory, Nationwide Children's Hospital); PubMed 22820256 (cited by Institute for Genomic Medicine (IGM) Clinical Laboratory, Nationwide Children's Hospital); PubMed 22832583 (cited by Institute for Genomic Medicine (IGM) Clinical Laboratory, Nationwide Children's Hospital); PubMed 22722829 (cited by Institute for Genomic Medicine (IGM) Clinical Laboratory, Nationwide Children's Hospital); PubMed 23432644 (cited by Institute for Genomic Medicine (IGM) Clinical Laboratory, Nationwide Children's Hospital).

NM_003072.5(SMARCA4):c.3694G>A (p.Gly1232Ser)

Gene: SMARCA4 (SWI/SNF related BAF chromatin remodeling complex subunit ATPase 4; plus strand). Cytogenetic location: 19p13.2.
Variant type: single nucleotide variant.
Coding change: c.3694G>A on transcript NM_003072.5 (MANE Select); coding-DNA position 3694, G replaced by A.
Protein change: p.Gly1232Ser; replaces glycine 1232 with serine.
Molecular consequence: missense variant. On other transcripts: non-coding transcript variant (1).
Genome position (GRCh38, 1-based): chr19:11,033,437, G>A. VCF-style: chr19-11033437-G-A. GRCh37 (hg19) VCF-style: chr19-11144113-G-A.
Other names: c.3694G>A, p.Gly1232Ser (NM_001128844.3, NM_001128845.2, NM_001128846.2 and 6 more transcripts); short protein forms G1232S.
Identifiers: ClinVar variation 3958446 (VCV003958446.2).